The following is an entry in ClinVar:

ClinVar aggregate classification (germline): Likely pathogenic (1 of 4 stars; one submission).

Conditions:
Autosomal recessive limb-girdle muscular dystrophy type 2J (LGMDR10). Also called: Limb-girdle muscular dystrophy, type 2J; MUSCULAR DYSTROPHY, LIMB-GIRDLE, AUTOSOMAL RECESSIVE 10. Identifiers: Orphanet 140922, MedGen C1837342, MONDO:0012127, OMIM 608807.
Dilated cardiomyopathy 1G (CMD1G). Identifiers: Orphanet 154, MedGen C1858763, MONDO:0011400, OMIM 604145.

Submission:

Labcorp Genetics (formerly Invitae), Labcorp
Classification: Likely pathogenic for Dilated cardiomyopathy 1G; Autosomal recessive limb-girdle muscular dystrophy type 2J. Last evaluated: 2024-08-08. Review status: criteria provided, single submitter. Criteria: Invitae Variant Classification Sherloc (09022015). Collection method: clinical testing. Allele origin: germline.
Comment: This sequence change creates a premature translational stop signal (p.Pro12036Hisfs*122) in the TTN gene. While this is not anticipated to result in nonsense mediated decay, it is expected to create a truncated TTN protein. This variant is not present in population databases (gnomAD no frequency). This variant has not been reported in the literature in individuals affected with TTN-related conditions. This variant is located in the I band of TTN (PMID: 25589632). Truncating variants in this region have been reported in individuals affected with autosomal recessive centronuclear myopathy (PMID: 23975875, Invitae internal data). Truncating variants in this region have also been identified in individuals affected with autosomal dominant dilated cardiomyopathy and/or cardio-related conditions (PMID: 27869827, 32964742, Invitae internal data). In summary, the currently available evidence indicates that the variant is pathogenic, but additional data are needed to prove that conclusively. Therefore, this variant has been classified as Likely Pathogenic.

Literature cited by the submitters: PubMed 25589632; PubMed 23975875; PubMed 27869827; PubMed 32964742.

NM_001267550.2(TTN):c.36107del (p.Pro12036fs)

Gene: TTN (titin; minus strand). Cytogenetic location: 2q31.2.
Variant type: Deletion.
Coding change: c.36107del on transcript NM_001267550.2 (MANE Select); coding-DNA position 36107, one base deleted (C; older notation c.36107delC).
Protein change: p.Pro12036fs; shifts the reading frame from proline 12036.
Molecular consequence: frameshift variant. On other transcripts: intron variant (5).
Genome position (GRCh38, 1-based): chr2:178,664,863, G deleted on the plus strand (C on the coding strand, the reverse complement: TTN is on the minus strand); the first of 5 consecutive G bases (chr2:178,664,863-178,664,867); deleting any one gives the same sequence. VCF-style (leftmost placement, unchanged base first): chr2-178664862-TG-T. GRCh37 (hg19) VCF-style: chr2-179529589-TG-T.
Other names: c.13283-22546del (NM_003319.4); c.13859-22546del (NM_133437.4); c.13658-22546del (NM_133432.3); c.31484-1808del (NM_133378.4); c.34265-1808del (NM_001256850.1); short protein forms P12036fs.
Identifiers: ClinVar variation 3750846 (VCV003750846.2).